The following is an entry in ClinVar:

NM_138982.4(MAPK10):c.1057G>A (p.Ala353Thr)

Gene: MAPK10 (mitogen-activated protein kinase 10; minus strand). Cytogenetic location: 4q21.3.
Variant type: single nucleotide variant.
Coding change: c.1057G>A on transcript NM_138982.4 (MANE Select); coding-DNA position 1057, G replaced by A.
Protein change: p.Ala353Thr; replaces alanine 353 with threonine.
Molecular consequence: missense variant.
Genome position (GRCh38, 1-based): chr4:86,064,319, C>T on the plus strand (G>A on the coding strand, the complement: MAPK10 is on the minus strand). VCF-style: chr4-86064319-C-T. GRCh37 (hg19) VCF-style: chr4-86985472-C-T.
Other names: c.1057G>A, p.Ala353Thr (NM_001318067.1, NM_001318069.2, NM_002753.6); c.622G>A, p.Ala208Thr (NM_001318068.1); c.943G>A, p.Ala315Thr (NM_001351624.2, NM_001351625.3, NM_001363657.3 and 1 more transcripts); short protein forms A208T, A315T, A353T.
Identifiers: ClinVar variation 2431539 (VCV002431539.2), dbSNP rs775333978, ClinGen allele CA2995047.

ClinVar aggregate classification (germline): Uncertain significance (1 of 4 stars; one submission).

Conditions:
Epileptic encephalopathy with cognitive deficit.

Allele frequency attached by ClinVar (database versions not stated): gnomAD exomes below 0.00001; gnomAD 0.00001; TOPMed 0.00001; ExAC 0.00002.
gnomAD v4.1: 9 of 1,613,996 alleles (0.00056%); highest among the groups gnomAD compares: Non-Finnish European, 0.00068%; no homozygotes.

Submission:

Laboratorio de Genetica e Diagnostico Molecular, Hospital Israelita Albert Einstein
Classification: Uncertain significance for Epileptic encephalopathy with cognitive deficit. Last evaluated: 2022-04-01. Review status: criteria provided, single submitter. Criteria: ACMG Guidelines, 2015. Collection method: clinical testing. Allele origin: germline. Affected: yes. Observed: 1 variant allele.
Comment: ACMG classification criteria: PM2 moderated, PP3 supporting